The following is an entry in ClinVar:

NM_015158.5(KANK1):c.790C>T (p.Arg264Cys)

Gene: KANK1 (KN motif and ankyrin repeat domains 1; plus strand). Cytogenetic location: 9p24.3.
Variant type: single nucleotide variant.
Coding change: c.790C>T on transcript NM_015158.5 (MANE Select); coding-DNA position 790, C replaced by T.
Protein change: p.Arg264Cys; replaces arginine 264 with cysteine.
Molecular consequence: missense variant. On other transcripts: non-coding transcript variant (1).
Genome position (GRCh38, 1-based): chr9:711,556, C>T. VCF-style: chr9-711556-C-T. GRCh37 (hg19) VCF-style: chr9-711556-C-T.
Other names: c.790C>T (NM_015158.2); c.790C>T, p.Arg264Cys (NM_001256876.3, NM_001256877.3, NM_001354331.2 and 2 more transcripts); c.316C>T, p.Arg106Cys (NM_001354333.2, NM_001354335.2, NM_001354336.2 and 9 more transcripts); short protein forms R264C, R106C.
Identifiers: ClinVar variation 1502948 (VCV001502948.7), dbSNP rs199762560, ClinGen allele CA187836325.

ClinVar aggregate classification (germline): Uncertain significance. Review status: criteria provided, multiple submitters, no conflicts (2 of 4 stars). 2 submissions from 2 submitters: Uncertain significance (2). Last evaluated 2024-12-06.

Allele frequency attached by ClinVar (database versions not stated): gnomAD 0.00003; TOPMed 0.00005; ESP Exome Variant Server 0.00008.
gnomAD v4.1: 28 of 1,613,740 alleles (0.0017%); highest among the groups gnomAD compares: Middle Eastern, 0.016%; no homozygotes.

Submissions (2):

Ambry Genetics
Classification: Uncertain significance. Last evaluated: 2024-12-06. Review status: criteria provided, single submitter. Criteria: Ambry Variant Classification Scheme 2023. Collection method: clinical testing. Allele origin: germline.

Labcorp Genetics (formerly Invitae), Labcorp
Classification: Uncertain significance. Last evaluated: 2024-10-22. Review status: criteria provided, single submitter. Criteria: Invitae Variant Classification Sherloc (09022015). Collection method: clinical testing. Allele origin: germline.
Comment: This sequence change replaces arginine, which is basic and polar, with cysteine, which is neutral and slightly polar, at codon 264 of the KANK1 protein (p.Arg264Cys). This variant is present in population databases (rs199762560, gnomAD 0.002%). This variant has not been reported in the literature in individuals affected with KANK1-related conditions. ClinVar contains an entry for this variant (Variation ID: 1502948). Invitae Evidence Modeling of protein sequence and biophysical properties (such as structural, functional, and spatial information, amino acid conservation, physicochemical variation, residue mobility, and thermodynamic stability) indicates that this missense variant is expected to disrupt KANK1 protein function with a positive predictive value of 80%. In summary, the available evidence is currently insufficient to determine the role of this variant in disease. Therefore, it has been classified as a Variant of Uncertain Significance.